The following is an entry in ClinVar:

NM_006445.4(PRPF8):c.2181G>A (p.Lys727=)

Gene: PRPF8 (pre-mRNA processing factor 8; minus strand). Cytogenetic location: 17p13.3.
Variant type: single nucleotide variant.
Coding change: c.2181G>A on transcript NM_006445.4 (MANE Select); coding-DNA position 2181, G replaced by A.
Protein change: p.Lys727=; no amino-acid change (lysine 727 retained).
Molecular consequence: synonymous variant.
Genome position (GRCh38, 1-based): chr17:1,676,976, C>T on the plus strand (G>A on the coding strand, the complement: PRPF8 is on the minus strand). VCF-style: chr17-1676976-C-T. GRCh37 (hg19) VCF-style: chr17-1580270-C-T.
Identifiers: ClinVar variation 1936687 (VCV001936687.5), dbSNP rs1467434236, ClinGen allele CA497389893.
Genomic context (GRCh38, chr17:1,676,976, plus strand): 5'-GTGGTAATCCTACCCTAAAGACGGATGTTTACGCCTCCAAGGAAATAAAGAGACACCCAC[C>T]TTCCAGGGAATGTTGGCTTTCCAGCAGCGCCAGGCTTCACTGAGGTGCTGCAGGATTGTC-3'
Protein context (NP_006436.3, residues 717-737): WRCWKANIPW[Lys727=]VPGLPTPIEN

ClinVar aggregate classification (germline): Uncertain significance (1 of 4 stars; one submission).

Allele frequency attached by ClinVar (database versions not stated): gnomAD exomes below 0.00001; gnomAD 0.00001; TOPMed 0.00002.
gnomAD v4.1: 6 of 1,613,614 alleles (0.00037%); highest among the groups gnomAD compares: African/African-American, 0.004%; no homozygotes.

Submission:

Labcorp Genetics (formerly Invitae), Labcorp
Classification: Uncertain significance. Last evaluated: 2022-04-05. Review status: criteria provided, single submitter. Criteria: Invitae Variant Classification Sherloc (09022015). Collection method: clinical testing. Allele origin: germline.
Comment: This sequence change affects codon 727 of the PRPF8 mRNA. It is a 'silent' change, meaning that it does not change the encoded amino acid sequence of the PRPF8 protein. This variant also falls at the last nucleotide of exon 15, which is part of the consensus splice site for this exon. This variant is present in population databases (no rsID available, gnomAD 0.007%). This variant has not been reported in the literature in individuals affected with PRPF8-related conditions. Variants that disrupt the consensus splice site are a relatively common cause of aberrant splicing (PMID: 17576681, 9536098). Algorithms developed to predict the effect of sequence changes on RNA splicing suggest that this variant may create or strengthen a splice site. In summary, the available evidence is currently insufficient to determine the role of this variant in disease. Therefore, it has been classified as a Variant of Uncertain Significance.

Literature cited by the submitters: PubMed 17576681; PubMed 9536098.